The following is an entry in ClinVar:

NM_020937.4(FANCM):c.3869C>T (p.Thr1290Ile)

Gene: FANCM (FA complementation group M; plus strand). Cytogenetic location: 14q21.2.
Variant type: single nucleotide variant.
Coding change: c.3869C>T on transcript NM_020937.4 (MANE Select); coding-DNA position 3869, C replaced by T.
Protein change: p.Thr1290Ile; replaces threonine 1290 with isoleucine.
Molecular consequence: missense variant.
Genome position (GRCh38, 1-based): chr14:45,176,623, C>T. VCF-style: chr14-45176623-C-T. GRCh37 (hg19) VCF-style: chr14-45645826-C-T.
Other names: c.3791C>T, p.Thr1264Ile (NM_001308133.2); c.3869C>T (NM_020937.3); short protein forms T1264I, T1290I.
Identifiers: ClinVar variation 970734 (VCV000970734.12), dbSNP rs759166551, ClinGen allele CA7169587.

ClinVar aggregate classification (germline): Uncertain significance. Review status: criteria provided, multiple submitters, no conflicts (2 of 4 stars). 3 submissions from 3 submitters: Uncertain significance (3). Last evaluated 2025-07-21.

Conditions:
Fanconi anemia (FA). Also called: Fanconi's anemia. Identifiers: Orphanet 84, MedGen C0015625, MeSH D005199, MONDO:0019391.

Allele frequency attached by ClinVar (database versions not stated): ExAC 0.00002; gnomAD 0.00002; gnomAD exomes 0.00002 and 0.00004; TOPMed 0.00002.
gnomAD v4.1: 64 of 1,610,396 alleles (0.004%); highest among the groups gnomAD compares: Non-Finnish European, 0.0054%; no homozygotes.

Submissions (3):

Labcorp Genetics (formerly Invitae), Labcorp
Classification: Uncertain significance for Fanconi anemia. Last evaluated: 2025-07-21. Review status: criteria provided, single submitter. Criteria: Invitae Variant Classification Sherloc (09022015). Collection method: clinical testing. Allele origin: germline.
Comment: This sequence change replaces threonine, which is neutral and polar, with isoleucine, which is neutral and non-polar, at codon 1290 of the FANCM protein (p.Thr1290Ile). This variant is present in population databases (rs759166551, gnomAD 0.005%). This variant has not been reported in the literature in individuals affected with FANCM-related conditions. ClinVar contains an entry for this variant (Variation ID: 970734). An algorithm developed to predict the effect of missense changes on protein structure and function outputs the following: PolyPhen-2: "Benign". The isoleucine amino acid residue is found in multiple mammalian species, which suggests that this missense change does not adversely affect protein function. In summary, the available evidence is currently insufficient to determine the role of this variant in disease. Therefore, it has been classified as a Variant of Uncertain Significance.

Quest Diagnostics Nichols Institute San Juan Capistrano
Classification: Uncertain significance. Last evaluated: 2024-07-22. Review status: criteria provided, single submitter. Criteria: Quest Diagnostics criteria. Collection method: clinical testing. Allele origin: unknown.
Comment: The FANCM c.3869C>T (p.Thr1290Ile) variant has been observed in a reportedly healthy individual in a breast cancer case-control study (PMID: 33471991 (2021), see also LOVD). The frequency of this variant in the general population, 0.000047 (6/127872 chromosomes (Genome Aggregation Database)), is uninformative in the assessment of its pathogenicity. Analysis of this variant using bioinformatics tools for the prediction of the effect of amino acid changes on protein structure and function yielded predictions that this variant is benign. Based on the available information, we are unable to determine the clinical significance of this variant.

GeneDx
Classification: Uncertain significance. Last evaluated: 2024-02-20. Review status: criteria provided, single submitter. Criteria: GeneDx Variant Classification Process June 2021. Collection method: clinical testing. Allele origin: germline.
Comment: Not observed at significant frequency in large population cohorts (gnomAD); In silico analysis supports that this missense variant does not alter protein structure/function; Has not been previously published as pathogenic or benign to our knowledge

Literature cited by the submitters: PubMed 33471991 (cited by Quest Diagnostics Nichols Institute San Juan Capistrano).